The following is an entry in ClinVar:

NM_020778.5(ALPK3):c.4862G>A (p.Gly1621Glu)

Gene: ALPK3 (alpha kinase 3; plus strand). Cytogenetic location: 15q25.3.
Variant type: single nucleotide variant.
Coding change: c.4862G>A on transcript NM_020778.5 (MANE Select); coding-DNA position 4862, G replaced by A.
Protein change: p.Gly1621Glu; replaces glycine 1621 with glutamic acid.
Molecular consequence: missense variant.
Genome position (GRCh38, 1-based): chr15:84,868,200, G>A. VCF-style: chr15-84868200-G-A. GRCh37 (hg19) VCF-style: chr15-85411431-G-A.
Other names: short protein forms G1621E.
Identifiers: ClinVar variation 2967083 (VCV002967083.3), dbSNP rs910230961, ClinGen allele CA273635523.

ClinVar aggregate classification (germline): Uncertain significance (1 of 4 stars; one submission).

Allele frequency attached by ClinVar (database versions not stated): gnomAD 0.00001; gnomAD exomes 0.00001; TOPMed 0.00001.

Submission:

Labcorp Genetics (formerly Invitae), Labcorp
Classification: Uncertain significance. Last evaluated: 2023-07-06. Review status: criteria provided, single submitter. Criteria: Invitae Variant Classification Sherloc (09022015). Collection method: clinical testing. Allele origin: germline.
Comment: This sequence change replaces glycine, which is neutral and non-polar, with glutamic acid, which is acidic and polar, at codon 1823 of the ALPK3 protein (p.Gly1823Glu). This variant is present in population databases (no rsID available, gnomAD 0.0009%). This variant has not been reported in the literature in individuals affected with ALPK3-related conditions. An algorithm developed to predict the effect of missense changes on protein structure and function (PolyPhen-2) suggests that this variant is likely to be disruptive. In summary, the available evidence is currently insufficient to determine the role of this variant in disease. Therefore, it has been classified as a Variant of Uncertain Significance.